The following is an entry in ClinVar:

NM_001386298.1(CIC):c.288_293del (p.Asp96_Gly97del)

Gene: CIC (capicua transcriptional repressor; plus strand). Cytogenetic location: 19q13.2.
Variant type: Deletion.
Coding change: c.288_293del on transcript NM_001386298.1 (MANE Select); coding-DNA positions 288 to 293, 6 bases deleted (TGGGGA; older notation c.288_293delTGGGGA).
Protein change: p.Asp96_Gly97del.
Molecular consequence: inframe deletion. On other transcripts: inframe indel (2).
Genome position (GRCh38, 1-based): chr19:42,272,071-42,272,076, TGGGGA deleted; deleting any 6 consecutive bases within chr19:42,272,066-42,272,076 gives the same sequence; the c. name uses the placement nearest the transcript's 3' end. VCF-style (leftmost placement, unchanged base first): chr19-42272065-AGGGGAT-A. GRCh37 (hg19) VCF-style: chr19-42776217-AGGGGAT-A.
Other names: c.288_293del, p.Asp96_Gly97del (NM_001304815.2, NM_001379480.1, NM_001379482.1); c.288_293delTGGGGA, p.Asp96_Gly97del (NM_001379483.1); c.288_293del6 (NM_001304815.1).
Identifiers: ClinVar variation 2635132 (VCV002635132.1), dbSNP rs2513592424, ClinGen allele CA2585408499.

ClinVar aggregate classification (germline): Uncertain significance (1 of 4 stars; one submission).

Conditions:
CIC-related disorder. Also called: CIC-related condition.

Submission:

PreventionGenetics, part of Exact Sciences
Classification: Uncertain significance for CIC-related condition. Last evaluated: 2022-10-28. Review status: criteria provided, single submitter. Criteria: ACMG Guidelines, 2015. Collection method: clinical testing. Allele origin: germline.
Comment: The CIC c.288_293del6 variant is predicted to result in an in-frame deletion (p.Asp96_Gly97del). To our knowledge, this variant has not been reported in the literature or in a large population database, indicating this variant is rare. At this time, the clinical significance of this variant is uncertain due to the absence of conclusive functional and genetic evidence.